The following is an entry in ClinVar:

ClinVar aggregate classification (germline): Likely benign. Review status: criteria provided, multiple submitters, no conflicts (2 of 4 stars). 2 submissions from 2 submitters: Likely benign (2). Last evaluated 2026-07-11.

Conditions:
Hereditary cancer-predisposing syndrome. Also called: Tumor predisposition; Hereditary neoplastic syndrome; Hereditary Cancer Syndrome; Neoplastic Syndromes, Hereditary. Identifiers: Orphanet 140162, MedGen C0027672, MeSH D009386, MONDO:0015356.

Submissions (2):

Ambry Genetics
Classification: Likely benign for Hereditary cancer-predisposing syndrome. Last evaluated: 2026-07-11. Review status: criteria provided, single submitter. Criteria: Ambry Variant Classification Scheme 2023. Collection method: clinical testing. Allele origin: germline.

Molecular Diagnostics Laboratory, Catalan Institute of Oncology
Classification: Likely benign for Hereditary cancer-predisposing syndrome. Last evaluated: 2024-12-02. Review status: criteria provided, single submitter. Criteria: ACMG Guidelines, 2015. Collection method: clinical testing. Allele origin: germline.
Comment: PM2_Supporting, BP1_Strong c.5328G>A, located in exon 11 of the BRCA2 gene, is predicted to result in no amino acid change, p.(Leu1776=). This position is outside a (potentially) clinically important functional domain and, moreover, the SpliceAI algorithm predicts no significant impact on splicing (BP1_strong). It is not present in the population database gnomAD v2.1.1, non cancer dataset (PM2_supporting). To our knowledge, neither relevant clinical data nor well-stablished functional studies have been reported for this variant. This variant has not been reported in the ClinVar database, LOVD or BRCA Exhange database. Based on currently available information, the variant c.5328G>A should be considered a likely benign variant.

NM_000059.4(BRCA2):c.5328G>A (p.Leu1776=)

Gene: BRCA2 (BRCA2 DNA repair associated; plus strand). Cytogenetic location: 13q13.1.
Variant type: single nucleotide variant.
Coding change: c.5328G>A on transcript NM_000059.4 (MANE Select); coding-DNA position 5328, G replaced by A.
Protein change: p.Leu1776=; no amino-acid change (leucine 1776 retained).
Molecular consequence: synonymous variant. On other transcripts: non-coding transcript variant (1), intron variant (2).
Genome position (GRCh38, 1-based): chr13:32,339,683, G>A. VCF-style: chr13-32339683-G-A. GRCh37 (hg19) VCF-style: chr13-32913820-G-A.
Other names: c.5328G>A, p.Leu1776= (NM_001406719.1, NM_001406720.1, NM_001432077.1); c.1910-4875G>A (NM_001406721.1); c.425-4875G>A (NM_001406722.1).
Identifiers: ClinVar variation 3774477 (VCV003774477.2).